The following is an entry in ClinVar:

ClinVar aggregate classification (germline): Uncertain significance (1 of 4 stars; one submission).

Submission:

GeneDx
Classification: Uncertain significance. Last evaluated: 2023-04-27. Review status: criteria provided, single submitter. Criteria: GeneDx Variant Classification Process June 2021. Collection method: clinical testing. Allele origin: germline. Affected: yes.
Comment: Not observed at significant frequency in large population cohorts (gnomAD); In silico analysis supports that this missense variant does not alter protein structure/function; Has not been previously published as pathogenic or benign to our knowledge

NM_000465.4(BARD1):c.2271G>C (p.Lys757Asn)

Gene: BARD1 (BRCA1 associated RING domain 1; minus strand). Cytogenetic location: 2q35.
Variant type: single nucleotide variant.
Coding change: c.2271G>C on transcript NM_000465.4 (MANE Select); coding-DNA position 2271, G replaced by C.
Protein change: p.Lys757Asn; replaces lysine 757 with asparagine.
Molecular consequence: missense variant. On other transcripts: non-coding transcript variant (3).
Genome position (GRCh38, 1-based): chr2:214,728,739, C>G on the plus strand (G>C on the coding strand, the complement: BARD1 is on the minus strand). VCF-style: chr2-214728739-C-G. GRCh37 (hg19) VCF-style: chr2-215593463-C-G.
Other names: c.2214G>C, p.Lys738Asn (NM_001282543.2); c.918G>C, p.Lys306Asn (NM_001282545.2); c.861G>C, p.Lys287Asn (NM_001282548.2); c.732G>C, p.Lys244Asn (NM_001282549.2); short protein forms K244N, K287N, K306N, K738N, K757N.
Identifiers: ClinVar variation 2662182 (VCV002662182.1), dbSNP rs1064796724, ClinGen allele CA350449948.